The following is an entry in ClinVar:

ClinVar aggregate classification (germline): Likely benign. Review status: criteria provided, multiple submitters, no conflicts (2 of 4 stars). 2 submissions from 2 submitters: Likely benign (2). Last evaluated 2025-06-14.

Conditions:
Tuberous sclerosis 2 (TSC2). Identifiers: Orphanet 805, MedGen C1860707, MONDO:0013199, OMIM 613254.

Submissions (2):

Labcorp Genetics (formerly Invitae), Labcorp
Classification: Likely benign for Tuberous sclerosis 2. Last evaluated: 2025-06-14. Review status: criteria provided, single submitter. Criteria: Invitae Variant Classification Sherloc (09022015). Collection method: clinical testing. Allele origin: germline.

Myriad Genetics, Inc.
Classification: Likely benign for Tuberous sclerosis 2. Last evaluated: 2025-06-03. Review status: criteria provided, single submitter. Criteria: Myriad Autosomal Dominant, Autosomal Recessive and X-Linked Classification Criteria (2023). Collection method: clinical testing. Allele origin: unknown.
Comment: This variant is considered likely benign. This variant is intronic and is not expected to impact mRNA splicing.

NM_000548.5(TSC2):c.4494-20A>G

Gene: TSC2 (TSC complex subunit 2; plus strand). Cytogenetic location: 16p13.3.
Variant type: single nucleotide variant.
Coding change: c.4494-20A>G on transcript NM_000548.5 (MANE Select); 20 bases into the intron before coding-DNA position 4494, A replaced by G.
Molecular consequence: intron variant.
Genome position (GRCh38, 1-based): chr16:2,084,931, A>G. VCF-style: chr16-2084931-A-G. GRCh37 (hg19) VCF-style: chr16-2134932-A-G.
Other names: c.3894-20A>G (NM_001406680.1); c.3825-20A>G (NM_001406683.1, NM_001406682.1); c.3693-20A>G (NM_001406687.1, NM_001406688.1); c.3081-20A>G (NM_001406689.1); c.3021-20A>G (NM_001406690.1); c.2952-20A>G (NM_001406692.1, NM_001406693.1, NM_001406694.1); c.3018-20A>G (NM_001406691.1); c.2949-20A>G (NM_001406697.1, NM_001406695.1, NM_001406696.1); and 26 more.
Identifiers: ClinVar variation 2909773 (VCV002909773.4), dbSNP rs2151542538, ClinGen allele CA2575877633.
Genomic context (GRCh38, chr16:2,084,931, plus strand): 5'-GGCTCTGTGTTCCTCCCTGTGGGCTGTGGCTGCCCTGGCCAGGCCCTCACCTGGGTGCCC[A>G]CCATCCCCTCCCTGTGCAGTTTCGTGTTCCTGCAGCTCTACCATTCCCCCTTCTTTGGCG-3'